The following is an entry in ClinVar:

NM_005633.4(SOS1):c.3791C>T (p.Pro1264Leu)

Gene: SOS1 (SOS Ras/Rac guanine nucleotide exchange factor 1; minus strand). Cytogenetic location: 2p22.1.
Variant type: single nucleotide variant.
Coding change: c.3791C>T on transcript NM_005633.4 (MANE Select); coding-DNA position 3791, C replaced by T.
Protein change: p.Pro1264Leu; replaces proline 1264 with leucine.
Molecular consequence: missense variant.
Genome position (GRCh38, 1-based): chr2:38,986,035, G>A on the plus strand (C>T on the coding strand, the complement: SOS1 is on the minus strand). VCF-style: chr2-38986035-G-A. GRCh37 (hg19) VCF-style: chr2-39213176-G-A.
Other names: c.3770C>T, p.Pro1257Leu (NM_001382394.1); c.3746C>T, p.Pro1249Leu (NM_001382395.1); short protein forms P1249L, P1257L, P1264L.
Identifiers: ClinVar variation 3657025 (VCV003657025.2).
Genomic context (GRCh38, chr2:38,986,035, plus strand): 5'-AGGTCCACTTCTTGTGTCAATGGTGGTGATGGCAGATGCCTTCTTGTGCCGTGAGGAGAA[G>A]GTGTTTGAGGAGGAGGTGGTGTAAAGGGGGAAGGGCTGTTTGGGAAGAAGGCATTGCCAT-3'
Protein context (NP_005624.2, residues 1254-1274): SPFTPPPPQT[Pro1264Leu]SPHGTRRHLP

ClinVar aggregate classification (germline): Uncertain significance (1 of 4 stars; one submission).

Conditions:
RASopathy. Also called: rasopathies; Noonan spectrum disorder. Identifiers: Orphanet 536391, MedGen C5555857, MONDO:0021060.

Submission:

Labcorp Genetics (formerly Invitae), Labcorp
Classification: Uncertain significance for RASopathy. Last evaluated: 2024-06-21. Review status: criteria provided, single submitter. Criteria: Invitae Variant Classification Sherloc (09022015). Collection method: clinical testing. Allele origin: germline.
Comment: This sequence change replaces proline, which is neutral and non-polar, with leucine, which is neutral and non-polar, at codon 1264 of the SOS1 protein (p.Pro1264Leu). This variant is not present in population databases (gnomAD no frequency). This variant has not been reported in the literature in individuals affected with SOS1-related conditions. Advanced modeling of protein sequence and biophysical properties (such as structural, functional, and spatial information, amino acid conservation, physicochemical variation, residue mobility, and thermodynamic stability) has been performed at Invitae for this missense variant, however the output from this modeling did not meet the statistical confidence thresholds required to predict the impact of this variant on SOS1 protein function. In summary, the available evidence is currently insufficient to determine the role of this variant in disease. Therefore, it has been classified as a Variant of Uncertain Significance.